The following is an entry in ClinVar:

ClinVar aggregate classification (germline): Uncertain significance (1 of 4 stars; one submission).

Conditions:
Postaxial polydactyly-anterior pituitary anomalies-facial dysmorphism syndrome. Also called: Culler-Jones syndrome. Identifiers: Orphanet 420584, MedGen C4014479, MONDO:0014369, OMIM 615849.
Holoprosencephaly 9 (HPE9). Also called: PITUITARY ANOMALIES WITH HOLOPROSENCEPHALY-LIKE FEATURES; HOLOPROSENCEPHALY WITH MICROPHTHALMIA AND FIRST BRANCHIAL ARCH ANOMALIES. Identifiers: Orphanet 2162, MedGen C1835819, MONDO:0012563, OMIM 610829.

gnomAD v4.1: 1 of 1,600,502 alleles (0.000062%); highest among the groups gnomAD compares: Non-Finnish European, 0.000086%; no homozygotes.

Submission:

Labcorp Genetics (formerly Invitae), Labcorp
Classification: Uncertain significance for Postaxial polydactyly-anterior pituitary anomalies-facial dysmorphism syndrome; Holoprosencephaly 9. Last evaluated: 2025-02-17. Review status: criteria provided, single submitter. Criteria: Invitae Variant Classification Sherloc (09022015). Collection method: clinical testing. Allele origin: germline.
Comment: This sequence change replaces glycine, which is neutral and non-polar, with glutamic acid, which is acidic and polar, at codon 85 of the GLI2 protein (p.Gly85Glu). This variant also falls at the last nucleotide of exon 2, which is part of the consensus splice site for this exon. This variant is not present in population databases (gnomAD no frequency). This variant has not been reported in the literature in individuals affected with GLI2-related conditions. An algorithm developed to predict the effect of missense changes on protein structure and function (PolyPhen-2) suggests that this variant is likely to be disruptive. Variants that disrupt the consensus splice site are a relatively common cause of aberrant splicing (PMID: 17576681, 9536098). Algorithms developed to predict the effect of sequence changes on RNA splicing suggest that this variant may create or strengthen a splice site. In summary, the available evidence is currently insufficient to determine the role of this variant in disease. Therefore, it has been classified as a Variant of Uncertain Significance.

Literature cited by the submitters: PubMed 17576681; PubMed 9536098.

NM_001374353.1(GLI2):c.254G>A (p.Gly85Glu)

Gene: GLI2 (GLI family zinc finger 2; plus strand). Cytogenetic location: 2q14.2.
Variant type: single nucleotide variant.
Coding change: c.254G>A on transcript NM_001374353.1 (MANE Select); coding-DNA position 254, G replaced by A.
Protein change: p.Gly85Glu; replaces glycine 85 with glutamic acid.
Molecular consequence: missense variant. On other transcripts: intron variant (1).
Genome position (GRCh38, 1-based): chr2:120,927,466, G>A. VCF-style: chr2-120927466-G-A. GRCh37 (hg19) VCF-style: chr2-121685042-G-A.
Other names: c.254G>A, p.Gly85Glu (NM_001371271.1, NM_005270.5); c.-121-23777G>A (NM_001374354.1); short protein forms G85E.
Identifiers: ClinVar variation 3756007 (VCV003756007.2).